The following is an entry in ClinVar:

NM_005751.5(AKAP9):c.5356G>A (p.Glu1786Lys)

Gene: AKAP9 (A-kinase anchoring protein 9; plus strand). Cytogenetic location: 7q21.2.
Variant type: single nucleotide variant.
Coding change: c.5356G>A on transcript NM_005751.5 (MANE Select); coding-DNA position 5356, G replaced by A.
Protein change: p.Glu1786Lys; replaces glutamic acid 1786 with lysine.
Molecular consequence: missense variant.
Genome position (GRCh38, 1-based): chr7:92,045,201, G>A. VCF-style: chr7-92045201-G-A. GRCh37 (hg19) VCF-style: chr7-91674515-G-A.
Other names: c.5356G>A, p.Glu1786Lys (NM_147185.3); short protein forms E1786K.
Identifiers: ClinVar variation 856010 (VCV000856010.12), dbSNP rs377560937, ClinGen allele CA4336771.

ClinVar aggregate classification (germline): Uncertain significance. Review status: criteria provided, multiple submitters, no conflicts (2 of 4 stars). 3 submissions from 3 submitters: Uncertain significance (3). Last evaluated 2021-08-23.

Conditions:
Cardiovascular phenotype. Identifiers: MedGen CN230736.
Long QT syndrome (LQTS). Identifiers: MedGen C0023976, MeSH D008133, MONDO:0002442. Disease mechanism: loss of function. Inheritance: Various modes of inheritance.
Long QT syndrome 11 (LQT11). Identifiers: Orphanet 101016, Orphanet 768, MedGen C2678483, MONDO:0012738, OMIM 611820.

Allele frequency attached by ClinVar (database versions not stated): TOPMed 0.00002.
gnomAD v4.1: 14 of 1,613,526 alleles (0.00087%); highest among the groups gnomAD compares: African/African-American, 0.0094%; no homozygotes.

Submissions (3):

Fulgent Genetics
Classification: Uncertain significance for Long QT syndrome 11. Last evaluated: 2021-08-23. Review status: criteria provided, single submitter. Criteria: ACMG Guidelines, 2015. Collection method: clinical testing. Allele origin: unknown.

Ambry Genetics
Classification: Uncertain significance for Cardiovascular phenotype. Last evaluated: 2021-04-08. Review status: criteria provided, single submitter. Criteria: Ambry Variant Classification Scheme 2023. Collection method: clinical testing. Allele origin: germline.
Comment: The p.E1786K variant (also known as c.5356G>A), located in coding exon 21 of the AKAP9 gene, results from a G to A substitution at nucleotide position 5356. The glutamic acid at codon 1786 is replaced by lysine, an amino acid with similar properties. This amino acid position is not well conserved in available vertebrate species. In addition, this alteration is predicted to be tolerated by in silico analysis. Since supporting evidence is limited at this time, the clinical significance of this alteration remains unclear.

Labcorp Genetics (formerly Invitae), Labcorp
Classification: Uncertain significance for Long QT syndrome. Last evaluated: 2021-03-16. Review status: criteria provided, single submitter. Criteria: Invitae Variant Classification Sherloc (09022015). Collection method: clinical testing. Allele origin: germline.
Comment: In summary, the available evidence is currently insufficient to determine the role of this variant in disease. Therefore, it has been classified as a Variant of Uncertain Significance. Algorithms developed to predict the effect of missense changes on protein structure and function are either unavailable or do not agree on the potential impact of this missense change (SIFT: "Tolerated"; PolyPhen-2: "Possibly Damaging"; Align-GVGD: "Class C0"). This variant has not been reported in the literature in individuals with AKAP9-related conditions. This variant is present in population databases (rs377560937, ExAC 0.04%). This sequence change replaces glutamic acid with lysine at codon 1786 of the AKAP9 protein (p.Glu1786Lys). The glutamic acid residue is moderately conserved and there is a small physicochemical difference between glutamic acid and lysine.